The following is an entry in ClinVar:

NM_000195.5(HPS1):c.520del (p.Arg173_Leu174insTer)

Gene: HPS1 (HPS1 biogenesis of lysosomal organelles complex 3 subunit 1; minus strand). Cytogenetic location: 10q24.2.
Variant type: Deletion.
Coding change: c.520del on transcript NM_000195.5 (MANE Select); coding-DNA position 520, one base deleted (C; older notation c.520delC).
Protein change: p.Arg173_Leu174insTer.
Molecular consequence: nonsense. On other transcripts: intron variant (5), 5 prime UTR variant (3).
Genome position (GRCh38, 1-based): chr10:98,431,279, G deleted on the plus strand (C on the coding strand, the reverse complement: HPS1 is on the minus strand). VCF-style (leftmost placement, unchanged base first): chr10-98431278-AG-A. GRCh37 (hg19) VCF-style: chr10-100191035-AG-A.
Other names: c.408-609del (NM_001322481.2, NM_001322480.2, NM_001322482.2); c.551-609del (NM_001322492.2, NM_001322490.2); c.-354del (NM_001311345.2, NM_001322489.2); c.520del, p.Arg173_Leu174insTer (NM_001322476.2, NM_001322477.2, NM_001322478.2 and 3 more transcripts); c.151del, p.Arg50_Leu51insTer (NM_001322483.2, NM_001322484.2, NM_001322485.2); c.-453del (NM_001322487.2).
Identifiers: ClinVar variation 3383164 (VCV003383164.2).

ClinVar aggregate classification (germline): Likely pathogenic (1 of 4 stars; one submission).

Conditions:
Hermansky-Pudlak syndrome 1 (HPS1). Also called: DELTA STORAGE POOL DISEASE. Identifiers: Orphanet 231500, Orphanet 79430, MedGen C2931875, MONDO:0008748, OMIM 203300.

Submission:

Juno Genomics, Hangzhou Juno Genomics, Inc
Classification: Likely pathogenic for Hermansky-Pudlak syndrome 1. Review status: criteria provided, single submitter. Criteria: ACMG Guidelines, 2015. Collection method: clinical testing. Allele origin: germline. Affected: yes.
Comment: Null variant in a gene where loss of function (LOF) is a known mechanism of disease.;Absent from controls (or at extremely low frequency if recessive) in Genome Aggregation Database, Exome Sequencing Project, 1000 Genomes Project, or Exome Aggregation Consortium.